The following is an entry in ClinVar:

NM_032444.4(SLX4):c.1405C>A (p.Pro469Thr)

Gene: SLX4 (SLX4 structure-specific endonuclease subunit; minus strand). Cytogenetic location: 16p13.3.
Variant type: single nucleotide variant.
Coding change: c.1405C>A on transcript NM_032444.4 (MANE Select); coding-DNA position 1405, C replaced by A.
Protein change: p.Pro469Thr; replaces proline 469 with threonine.
Molecular consequence: missense variant.
Genome position (GRCh38, 1-based): chr16:3,597,657, G>T on the plus strand (C>A on the coding strand, the complement: SLX4 is on the minus strand). VCF-style: chr16-3597657-G-T. GRCh37 (hg19) VCF-style: chr16-3647658-G-T.
Other names: short protein forms P469T.
Identifiers: ClinVar variation 1489900 (VCV001489900.6), dbSNP rs763833617, ClinGen allele CA7866524.
Genomic context (GRCh38, chr16:3,597,657, plus strand): 5'-GGGCCACACGGTCCTCTATCTGTCGGCCTGTGGTTTCAGAGTCCTGGACTAACAACAATG[G>T]GGGGGATACCGGGGGTTTCTTCTTGCGACTTTTATTCTCTAGAGAGAAACAAAAGCGACA-3'
Protein context (NP_115820.2, residues 459-479): SRKKKPPVSP[Pro469Thr]LLLVQDSETT

ClinVar aggregate classification (germline): Uncertain significance. Review status: criteria provided, multiple submitters, no conflicts (2 of 4 stars). 3 submissions from 3 submitters: Uncertain significance (3). Last evaluated 2023-10-18.

Conditions:
Fanconi anemia complementation group P. Also called: SLX4-Related Fanconi Anemia. Identifiers: Orphanet 84, MedGen C3469542, MONDO:0013499, OMIM 613951.
Fanconi anemia (FA). Also called: Fanconi's anemia. Identifiers: Orphanet 84, MedGen C0015625, MeSH D005199, MONDO:0019391.

gnomAD v4.1: 23 of 1,613,898 alleles (0.0014%); highest among the groups gnomAD compares: Admixed American, 0.0033%; no homozygotes.

Submissions (3):

Labcorp Genetics (formerly Invitae), Labcorp
Classification: Uncertain significance for Fanconi anemia. Last evaluated: 2023-10-18. Review status: criteria provided, single submitter. Criteria: Invitae Variant Classification Sherloc (09022015). Collection method: clinical testing. Allele origin: germline.
Comment: This sequence change replaces proline, which is neutral and non-polar, with threonine, which is neutral and polar, at codon 469 of the SLX4 protein (p.Pro469Thr). This variant is present in population databases (rs763833617, gnomAD 0.004%). This variant has not been reported in the literature in individuals affected with SLX4-related conditions. ClinVar contains an entry for this variant (Variation ID: 1489900). An algorithm developed to predict the effect of missense changes on protein structure and function (PolyPhen-2) suggests that this variant is likely to be disruptive. In summary, the available evidence is currently insufficient to determine the role of this variant in disease. Therefore, it has been classified as a Variant of Uncertain Significance.

Fulgent Genetics
Classification: Uncertain significance for Fanconi anemia complementation group P. Last evaluated: 2021-10-11. Review status: criteria provided, single submitter. Criteria: ACMG Guidelines, 2015. Collection method: clinical testing. Allele origin: unknown.

Blueprint Genetics
Classification: Uncertain significance. Last evaluated: 2021-03-10. Review status: criteria provided, single submitter. Criteria: ACMG Guidelines, 2015. Collection method: clinical testing. Allele origin: germline.